The following is an entry in ClinVar:

ClinVar aggregate classification (germline): Likely pathogenic. Review status: criteria provided, multiple submitters, no conflicts (2 of 4 stars). 2 submissions from 2 submitters: Likely pathogenic (2). Last evaluated 2022-05-20.

Conditions:
Cardiac anomalies - developmental delay - facial dysmorphism syndrome (MRFACD). Also called: MED13L Syndrome; Impaired intellectual development and distinctive facial features with or without cardiac defects. Identifiers: Orphanet 369891, MedGen C5192431, MONDO:0014773, OMIM 616789.

Submissions (2):

Women's Health and Genetics/Laboratory Corporation of America, LabCorp
Classification: Likely pathogenic for Cardiac anomalies - developmental delay - facial dysmorphism syndrome. Last evaluated: 2022-05-20. Review status: criteria provided, single submitter. Criteria: LabCorp Variant Classification Summary - May 2015. Collection method: clinical testing. Allele origin: germline.
Comment: Variant summary: MED13L c.4456C>T (p.Gln1486X) results in a premature termination codon, predicted to cause a truncation of the encoded protein or absence of the protein due to nonsense mediated decay, which are commonly known mechanisms for disease. Truncations downstream of this position have been classified as pathogenic in ClinVar (e.g. c.5278C>T [p.Arg1760Ter; c.5796_5806del [p.Cys1932fs]). The variant was absent in 250826 control chromosomes (gnomAD). To our knowledge, no occurrence of c.4456C>T in individuals affected with Intellectual Disability And Distinctive Facial Features With Or Without Cardiac Defects and no experimental evidence demonstrating its impact on protein function have been reported. One ClinVar submitter has assessed the variant since 2014: the variant was classified as likely pathogenic. Based on the evidence outlined above, the variant was classified as likely pathogenic.

GeneDx
Classification: Likely pathogenic. Last evaluated: 2017-09-14. Review status: criteria provided, single submitter. Criteria: GeneDx Variant Classification (06012015). Collection method: clinical testing. Allele origin: germline. Affected: yes.
Comment: The Q1486X variant has not been published as a pathogenic variant, nor has it been reported as a benign variant to our knowledge. It is not observed in large population cohorts (Lek et al., 2016; 1000 Genomes Consortium et al., 2015; Exome Variant Server). The Q1486X variant is predicted to cause loss of normal protein function either through protein truncation or nonsense-mediated mRNA decay. Although this variant has not been reported previously to our knowledge, other nonsense and loss of function variants have been reported in the Human Gene Mutation Database in association with MED13L-related disorders (Stenson et al., 2014). Therefore, the Q1486X variant is likely pathogenic.

NM_015335.5(MED13L):c.4456C>T (p.Gln1486Ter)

Gene: MED13L (mediator complex subunit 13L; minus strand). Cytogenetic location: 12q24.21.
Variant type: single nucleotide variant.
Coding change: c.4456C>T on transcript NM_015335.5 (MANE Select); coding-DNA position 4456, C replaced by T.
Protein change: p.Gln1486Ter; replaces glutamine 1486 with a stop codon.
Molecular consequence: nonsense.
Genome position (GRCh38, 1-based): chr12:115,984,255, G>A on the plus strand (C>T on the coding strand, the complement: MED13L is on the minus strand). VCF-style: chr12-115984255-G-A. GRCh37 (hg19) VCF-style: chr12-116422060-G-A.
Other names: short protein forms Q1486*.
Identifiers: ClinVar variation 489056 (VCV000489056.3), dbSNP rs1555243580, ClinGen allele CA386883594.